The following is an entry in ClinVar:

ClinVar aggregate classification (germline): Uncertain significance (1 of 4 stars; one submission).

Allele frequency attached by ClinVar (database versions not stated): TOPMed below 0.00001; gnomAD exomes 0.00001.
gnomAD v4.1: 11 of 1,590,234 alleles (0.00069%); highest among the groups gnomAD compares: South Asian, 0.0012%; no homozygotes.

Submission:

Labcorp Genetics (formerly Invitae), Labcorp
Classification: Uncertain significance. Last evaluated: 2022-04-28. Review status: criteria provided, single submitter. Criteria: Invitae Variant Classification Sherloc (09022015). Collection method: clinical testing. Allele origin: germline.
Comment: In summary, the available evidence is currently insufficient to determine the role of this variant in disease. Therefore, it has been classified as a Variant of Uncertain Significance. Algorithms developed to predict the effect of missense changes on protein structure and function are either unavailable or do not agree on the potential impact of this missense change (SIFT: "Deleterious"; PolyPhen-2: "Possibly Damaging"; Align-GVGD: "Class C0"). This variant has not been reported in the literature in individuals affected with EXOSC9-related conditions. The frequency data for this variant in the population databases is considered unreliable, as metrics indicate poor data quality at this position in the gnomAD database. This sequence change replaces glycine, which is neutral and non-polar, with aspartic acid, which is acidic and polar, at codon 255 of the EXOSC9 protein (p.Gly255Asp).

NM_005033.3(EXOSC9):c.764G>A (p.Gly255Asp)

Gene: EXOSC9 (exosome component 9; plus strand). Cytogenetic location: 4q27.
Variant type: single nucleotide variant.
Coding change: c.764G>A on transcript NM_005033.3 (MANE Select); coding-DNA position 764, G replaced by A.
Protein change: p.Gly255Asp; replaces glycine 255 with aspartic acid.
Molecular consequence: missense variant.
Genome position (GRCh38, 1-based): chr4:121,811,608, G>A. VCF-style: chr4-121811608-G-A. GRCh37 (hg19) VCF-style: chr4-122732763-G-A.
Other names: c.764G>A, p.Gly255Asp (NM_001034194.2); short protein forms G255D.
Identifiers: ClinVar variation 2155231 (VCV002155231.3), dbSNP rs1245088043, ClinGen allele CA358045404.